The following is an entry in ClinVar:

ClinVar aggregate classification (germline): Uncertain significance. Review status: criteria provided, multiple submitters, no conflicts (2 of 4 stars). 2 submissions from 2 submitters: Uncertain significance (2). Last evaluated 2025-07-15.

Allele frequency attached by ClinVar (database versions not stated): 1000 Genomes Project 0.00020; 1000 Genomes Project 30x 0.00031.
gnomAD v4.1: 95 of 1,610,778 alleles (0.0059%); highest among the groups gnomAD compares: Non-Finnish European, 0.007%; no homozygotes.

Submissions (2):

Ambry Genetics
Classification: Uncertain significance. Last evaluated: 2025-07-15. Review status: criteria provided, single submitter. Criteria: Ambry Variant Classification Scheme 2023. Collection method: clinical testing. Allele origin: germline.

Labcorp Genetics (formerly Invitae), Labcorp
Classification: Uncertain significance. Last evaluated: 2023-11-17. Review status: criteria provided, single submitter. Criteria: Invitae Variant Classification Sherloc (09022015). Collection method: clinical testing. Allele origin: germline.
Comment: This sequence change replaces valine, which is neutral and non-polar, with methionine, which is neutral and non-polar, at codon 130 of the CRAT protein (p.Val130Met). The frequency data for this variant in the population databases is considered unreliable, as metrics indicate poor data quality at this position in the gnomAD database. This variant has not been reported in the literature in individuals affected with CRAT-related conditions. ClinVar contains an entry for this variant (Variation ID: 1406179). Advanced modeling of protein sequence and biophysical properties (such as structural, functional, and spatial information, amino acid conservation, physicochemical variation, residue mobility, and thermodynamic stability) performed at Invitae indicates that this missense variant is not expected to disrupt CRAT protein function with a negative predictive value of 80%. In summary, the available evidence is currently insufficient to determine the role of this variant in disease. Therefore, it has been classified as a Variant of Uncertain Significance.

NM_000755.5(CRAT):c.388G>A (p.Val130Met)

Gene: CRAT (carnitine O-acetyltransferase; minus strand). Cytogenetic location: 9q34.11.
Variant type: single nucleotide variant.
Coding change: c.388G>A on transcript NM_000755.5 (MANE Select); coding-DNA position 388, G replaced by A.
Protein change: p.Val130Met; replaces valine 130 with methionine.
Molecular consequence: missense variant.
Genome position (GRCh38, 1-based): chr9:129,104,210, C>T on the plus strand (G>A on the coding strand, the complement: CRAT is on the minus strand). VCF-style: chr9-129104210-C-T. GRCh37 (hg19) VCF-style: chr9-131866489-C-T.
Other names: c.388G>A (NM_000755.3); c.325G>A, p.Val109Met (NM_001257363.3, NM_001346548.2, NM_004003.4); c.391G>A, p.Val131Met (NM_001346546.2); c.388G>A, p.Val130Met (NM_001346547.2); c.268G>A, p.Val90Met (NM_001346549.2); short protein forms V130M, V131M, V109M, V90M.
Identifiers: ClinVar variation 1406179 (VCV001406179.11), dbSNP rs199566104, ClinGen allele CA5275783.